The following is an entry in ClinVar:

ClinVar aggregate classification (germline): Uncertain significance (1 of 4 stars; one submission).

Conditions:
Hereditary cancer-predisposing syndrome. Also called: Hereditary Cancer Syndrome; Hereditary neoplastic syndrome; Neoplastic Syndromes, Hereditary; Tumor predisposition. Identifiers: Orphanet 140162, MedGen C0027672, MeSH D009386, MONDO:0015356.

Submission:

Ambry Genetics
Classification: Uncertain significance for Hereditary cancer-predisposing syndrome. Last evaluated: 2021-11-18. Review status: criteria provided, single submitter. Criteria: Ambry Variant Classification Scheme 2023. Collection method: clinical testing. Allele origin: germline.
Comment: The p.G1567E variant (also known as c.4700G>A), located in coding exon 14 of the BRCA1 gene, results from a G to A substitution at nucleotide position 4700. The glycine at codon 1567 is replaced by glutamic acid, an amino acid with similar properties. This amino acid position is conserved. In addition, this alteration is predicted to be deleterious by in silico analysis. Since supporting evidence is limited at this time, the clinical significance of this alteration remains unclear.

NM_007294.4(BRCA1):c.4700G>A (p.Gly1567Glu)

Gene: BRCA1 (BRCA1 DNA repair associated; minus strand). Cytogenetic location: 17q21.31.
Variant type: single nucleotide variant.
Coding change: c.4700G>A on transcript NM_007294.4 (MANE Select); coding-DNA position 4700, G replaced by A.
Protein change: p.Gly1567Glu; replaces glycine 1567 with glutamic acid.
Molecular consequence: missense variant. On other transcripts: non-coding transcript variant (1).
Genome position (GRCh38, 1-based): chr17:43,071,214, C>T on the plus strand (G>A on the coding strand, the complement: BRCA1 is on the minus strand). VCF-style: chr17-43071214-C-T. GRCh37 (hg19) VCF-style: chr17-41223231-C-T.
Other names: c.4487G>A, p.Gly1496Glu (NM_001407571.1, NM_001407894.1, NM_001407895.1 and 12 more transcripts); c.4766G>A, p.Gly1589Glu (NM_001407581.1, NM_001407582.1); c.4763G>A, p.Gly1588Glu (NM_001407583.1, NM_001407585.1, NM_001407587.1 and 1 more transcripts); c.4760G>A, p.Gly1587Glu (NM_001407590.1, NM_001407591.1); c.4700G>A, p.Gly1567Glu (NM_001407593.1, NM_001407594.1, NM_001407596.1 and 8 more transcripts); c.4697G>A, p.Gly1566Glu (NM_001407610.1, NM_001407611.1, NM_001407612.1 and 17 more transcripts); c.4694G>A, p.Gly1565Glu (NM_001407627.1, NM_001407628.1, NM_001407629.1 and 14 more transcripts); c.4691G>A, p.Gly1564Glu (NM_001407644.1, NM_001407645.1); and 70 more; short protein forms G1497E, G1547E, G1548E, G1562E, G1587E, G1588E, G287E, G351E.
Identifiers: ClinVar variation 1742554 (VCV001742554.2), dbSNP rs1555581074, ClinGen allele CA10592111.